The following is an entry in ClinVar:

ClinVar aggregate classification (germline): Pathogenic/Likely pathogenic. Review status: criteria provided, multiple submitters, no conflicts (2 of 4 stars). 3 submissions from 3 submitters: Pathogenic (1); Likely pathogenic (2). Last evaluated 2025-06-09.

Conditions:
Mitochondrial complex I deficiency, nuclear type 16. Also called: Mitochondrial complex 1 deficiency, nuclear type 16. Identifiers: MedGen C4748785, MONDO:0032621, OMIM 618238.
Mitochondrial complex I deficiency. Also called: NADH:Q(1) OXIDOREDUCTASE DEFICIENCY. Identifiers: Orphanet 2609, MedGen C1838979, MeSH C537475, MONDO:0100133.

Submissions (3):

Natera, Inc.
Classification: Likely pathogenic for Mitochondrial complex I deficiency. Last evaluated: 2025-06-09. Review status: criteria provided, single submitter. Criteria: Natera Variant Classification Schema (03/2026). Collection method: clinical testing. Allele origin: germline.
Comment: The c.46del variant in NDUFAF5 is a frameshift variant predicted to shift the reading frame beginning at codon 16 and leads to a stop codon 29 codons downstream. This variant is expected to result in nonsense mediated decay, truncation, or a dysfunctional protein product. This variant is rare in the general population with a frequency below the threshold expected for the associated phenotype(s). Given the available evidence, this variant is classified as Likely Pathogenic.

Baylor Genetics
Classification: Likely pathogenic for Mitochondrial complex I deficiency, nuclear type 16. Last evaluated: 2024-03-25. Review status: criteria provided, single submitter. Criteria: ACMG Guidelines, 2015. Collection method: clinical testing. Allele origin: unknown.

Labcorp Genetics (formerly Invitae), Labcorp
Classification: Pathogenic. Last evaluated: 2022-01-17. Review status: criteria provided, single submitter. Criteria: Invitae Variant Classification Sherloc (09022015). Collection method: clinical testing. Allele origin: germline.
Comment: For these reasons, this variant has been classified as Pathogenic. This variant has not been reported in the literature in individuals affected with NDUFAF5-related conditions. This variant is not present in population databases (gnomAD no frequency). This sequence change creates a premature translational stop signal (p.Ala16Argfs*29) in the NDUFAF5 gene. It is expected to result in an absent or disrupted protein product. Loss-of-function variants in NDUFAF5 are known to be pathogenic (PMID: 26275793, 30473481, 32918965).

Literature cited by the submitters: PubMed 26275793 (cited by Labcorp Genetics (formerly Invitae), Labcorp); PubMed 30473481 (cited by Labcorp Genetics (formerly Invitae), Labcorp); PubMed 32918965 (cited by Labcorp Genetics (formerly Invitae), Labcorp).

NM_024120.5(NDUFAF5):c.46del (p.Ala16fs)

Genes: NDUFAF5 (NADH:ubiquinone oxidoreductase complex assembly factor 5; plus strand), LOC130065433 (ATAC-STARR-seq lymphoblastoid active region 17552; plus strand). Cytogenetic location: 20p12.1.
Variant type: Deletion.
Coding change: c.46del on transcript NM_024120.5 (MANE Select); coding-DNA position 46, one base deleted (G; older notation c.46delG).
Protein change: p.Ala16fs; shifts the reading frame from alanine 16.
Molecular consequence: frameshift variant. On other transcripts: 5 prime UTR variant (3), non-coding transcript variant (7).
Genome position (GRCh38, 1-based): chr20:13,785,114, G deleted; the last of 3 consecutive G bases (chr20:13,785,112-13,785,114); deleting any one gives the same sequence. VCF-style (leftmost placement, unchanged base first): chr20-13785111-TG-T. GRCh37 (hg19) VCF-style: chr20-13765757-TG-T.
Other names: c.46del, p.Ala16fs (NM_001039375.3, NM_001352408.2); c.-322del (NM_001352403.2); c.-536del (NM_001352406.2); c.-650del (NM_001352407.2); c.46del (NM_024120.4); short protein forms A16fs.
Identifiers: ClinVar variation 2073702 (VCV002073702.6), dbSNP rs2516091432, ClinGen allele CA2580097873.